The following is an entry in ClinVar:

ClinVar aggregate classification (germline): Likely benign. Review status: criteria provided, multiple submitters, no conflicts (2 of 4 stars). 2 submissions from 2 submitters: Likely benign (2). Last evaluated 2025-12-24.

Conditions:
Parkinson disease 13, autosomal dominant, susceptibility to. Identifiers: Orphanet 2828, MedGen C1853202, MONDO:0012466, OMIM 610297.

Allele frequency attached by ClinVar (database versions not stated): gnomAD exomes 0.00005 and 0.00010; ESP Exome Variant Server 0.00008; ExAC 0.00014; gnomAD 0.00016; TOPMed 0.00019.

Submissions (3):

Labcorp Genetics (formerly Invitae), Labcorp
Classification: Likely benign. Last evaluated: 2025-12-24. Review status: criteria provided, single submitter. Criteria: Invitae Variant Classification Sherloc (09022015). Collection method: clinical testing. Allele origin: germline.

Illumina Laboratory Services, Illumina
Classification: Likely benign for Parkinson disease 13, autosomal dominant, susceptibility to. Last evaluated: 2018-01-13. Review status: criteria provided, single submitter. Criteria: ICSL Variant Classification Criteria 13 December 2019. Collection method: clinical testing. Allele origin: germline.
Comment: This variant was observed in the ICSL laboratory as part of a predisposition screen in an ostensibly healthy population. It had not been previously curated by ICSL or reported in the Human Gene Mutation Database (HGMD: prior to June 1st, 2018), and was therefore a candidate for classification through an automated scoring system. Utilizing variant allele frequency, disease prevalence and penetrance estimates, and inheritance mode, an automated score was calculated to assess if this variant is too frequent to cause the disease. Based on the score and internal cut-off values, a variant classified as likely benign is not then subjected to further curation. The score for this variant resulted in a classification of likely benign for this disease.

Dr. Peter K. Rogan Lab, Western University
No classification provided (evidence only). Condition: Uterine corpus endometrial carcinoma. Review status: no classification provided. Collection method: in vitro. Allele origin: not applicable. Functional consequence: skipped exon. Not counted in ClinVar's aggregate classification.

NM_013247.5(HTRA2):c.1046-5C>G

Gene: HTRA2 (HtrA serine peptidase 2; plus strand). Cytogenetic location: 2p13.1.
Variant type: single nucleotide variant.
Coding change: c.1046-5C>G on transcript NM_013247.5 (MANE Select); 5 bases into the intron before coding-DNA position 1046, C replaced by G.
Molecular consequence: intron variant.
Genome position (GRCh38, 1-based): chr2:74,531,851, C>G. VCF-style: chr2-74531851-C-G. GRCh37 (hg19) VCF-style: chr2-74758978-C-G.
Other names: c.1076-5C>G (NM_001321727.1); c.1046-5C>G (NM_001321728.1); c.851-5C>G (NM_145074.2).
Identifiers: ClinVar variation 895798 (VCV000895798.9), dbSNP rs374529449, ClinGen allele CA1728549.